The following is an entry in ClinVar:

NM_000191.3(HMGCL):c.595G>C (p.Glu199Gln)

Gene: HMGCL (3-hydroxy-3-methylglutaryl-CoA lyase; minus strand). Cytogenetic location: 1p36.11.
Variant type: single nucleotide variant.
Coding change: c.595G>C on transcript NM_000191.3 (MANE Select); coding-DNA position 595, G replaced by C.
Protein change: p.Glu199Gln; replaces glutamic acid 199 with glutamine.
Molecular consequence: missense variant.
Genome position (GRCh38, 1-based): chr1:23,808,290, C>G on the plus strand (G>C on the coding strand, the complement: HMGCL is on the minus strand). VCF-style: chr1-23808290-C-G. GRCh37 (hg19) VCF-style: chr1-24134780-C-G.
Other names: c.382G>C, p.Glu128Gln (NM_001166059.2); short protein forms E128Q, E199Q.
Identifiers: ClinVar variation 1800706 (VCV001800706.6), dbSNP rs149526487, ClinGen allele CA686021.

ClinVar aggregate classification (germline): Uncertain significance. Review status: criteria provided, multiple submitters, no conflicts (2 of 4 stars). 3 submissions from 3 submitters: Uncertain significance (3). Last evaluated 2024-10-16.

Conditions:
Deficiency of hydroxymethylglutaryl-CoA lyase (HMGCLD). Also called: Defect in leucine metabolism; 3-hydroxy-3-methylglutaric aciduria; HMG-CoA LYASE DEFICIENCY; HMGCL DEFICIENCY; HYDROXYMETHYLGLUTARIC ACIDURIA. Identifiers: Orphanet 20, MedGen C1533587, MONDO:0009520, OMIM 246450.

Allele frequency attached by ClinVar (database versions not stated): TOPMed 0.00003; ESP Exome Variant Server 0.00008.

Submissions (3):

Labcorp Genetics (formerly Invitae), Labcorp
Classification: Uncertain significance for Deficiency of hydroxymethylglutaryl-CoA lyase. Last evaluated: 2024-10-16. Review status: criteria provided, single submitter. Criteria: Invitae Variant Classification Sherloc (09022015). Collection method: clinical testing. Allele origin: germline.
Comment: This sequence change replaces glutamic acid, which is acidic and polar, with glutamine, which is neutral and polar, at codon 199 of the HMGCL protein (p.Glu199Gln). This variant is present in population databases (rs149526487, gnomAD 0.007%). This variant has not been reported in the literature in individuals affected with HMGCL-related conditions. ClinVar contains an entry for this variant (Variation ID: 1800706). Invitae Evidence Modeling of protein sequence and biophysical properties (such as structural, functional, and spatial information, amino acid conservation, physicochemical variation, residue mobility, and thermodynamic stability) indicates that this missense variant is not expected to disrupt HMGCL protein function with a negative predictive value of 80%. In summary, the available evidence is currently insufficient to determine the role of this variant in disease. Therefore, it has been classified as a Variant of Uncertain Significance.

Genome-Nilou Lab
Classification: Uncertain significance for Deficiency of hydroxymethylglutaryl-CoA lyase. Last evaluated: 2023-04-11. Review status: criteria provided, single submitter. Criteria: ACMG Guidelines, 2015. Collection method: clinical testing. Allele origin: germline. Affected: no.

GeneDx
Classification: Uncertain significance. Last evaluated: 2022-05-18. Review status: criteria provided, single submitter. Criteria: GeneDx Variant Classification Process June 2021. Collection method: clinical testing. Allele origin: germline. Affected: yes.
Comment: Not observed at significant frequency in large population cohorts (gnomAD); In silico analysis supports that this missense variant has a deleterious effect on protein structure/function; Has not been previously published as pathogenic or benign to our knowledge